The following is an entry in ClinVar:

NM_080473.5(GATA5):c.188G>C (p.Gly63Ala)

Gene: GATA5 (GATA binding protein 5; minus strand). Cytogenetic location: 20q13.33.
Variant type: single nucleotide variant.
Coding change: c.188G>C on transcript NM_080473.5 (MANE Select); coding-DNA position 188, G replaced by C.
Protein change: p.Gly63Ala; replaces glycine 63 with alanine.
Molecular consequence: missense variant.
Genome position (GRCh38, 1-based): chr20:62,475,334, C>G on the plus strand (G>C on the coding strand, the complement: GATA5 is on the minus strand). VCF-style: chr20-62475334-C-G. GRCh37 (hg19) VCF-style: chr20-61050390-C-G.
Other names: c.188G>C (NM_080473.4); short protein forms G63A.
Identifiers: ClinVar variation 1420757 (VCV001420757.7), dbSNP rs1264711333, ClinGen allele CA409557517.

ClinVar aggregate classification (germline): Uncertain significance. Review status: criteria provided, multiple submitters, no conflicts (2 of 4 stars). 2 submissions from 2 submitters: Uncertain significance (2). Last evaluated 2024-06-15.

Submissions (2):

Labcorp Genetics (formerly Invitae), Labcorp
Classification: Uncertain significance. Last evaluated: 2024-06-15. Review status: criteria provided, single submitter. Criteria: Invitae Variant Classification Sherloc (09022015). Collection method: clinical testing. Allele origin: germline.
Comment: This sequence change replaces glycine, which is neutral and non-polar, with alanine, which is neutral and non-polar, at codon 63 of the GATA5 protein (p.Gly63Ala). This variant is not present in population databases (gnomAD no frequency). This missense change has been observed in individual(s) with pulmonary stenosis (PMID: 27066509). ClinVar contains an entry for this variant (Variation ID: 1420757). Advanced modeling of protein sequence and biophysical properties (such as structural, functional, and spatial information, amino acid conservation, physicochemical variation, residue mobility, and thermodynamic stability) performed at Invitae indicates that this missense variant is not expected to disrupt GATA5 protein function with a negative predictive value of 80%. In summary, the available evidence is currently insufficient to determine the role of this variant in disease. Therefore, it has been classified as a Variant of Uncertain Significance.

GeneDx
Classification: Uncertain significance. Last evaluated: 2023-08-01. Review status: criteria provided, single submitter. Criteria: GeneDx Variant Classification Process June 2021. Collection method: clinical testing. Allele origin: germline. Affected: yes.
Comment: Reported in a patient with pulmonary stenosis who inherited the variant from a parent (Kassab et al., 2016); Not observed at significant frequency in large population cohorts (gnomAD); In silico analysis supports that this missense variant does not alter protein structure/function; This variant is associated with the following publications: (PMID: 27066509)

Literature cited by the submitters: PubMed 27066509 (cited by Labcorp Genetics (formerly Invitae), Labcorp).